The following is an entry in ClinVar:

NM_020937.4(FANCM):c.4216G>T (p.Val1406Phe)

Gene: FANCM (FA complementation group M; plus strand). Cytogenetic location: 14q21.2.
Variant type: single nucleotide variant.
Coding change: c.4216G>T on transcript NM_020937.4 (MANE Select); coding-DNA position 4216, G replaced by T.
Protein change: p.Val1406Phe; replaces valine 1406 with phenylalanine.
Molecular consequence: missense variant.
Genome position (GRCh38, 1-based): chr14:45,176,970, G>T. VCF-style: chr14-45176970-G-T. GRCh37 (hg19) VCF-style: chr14-45646173-G-T.
Other names: c.4138G>T, p.Val1380Phe (NM_001308133.2); short protein forms V1406F, V1380F.
Identifiers: ClinVar variation 3848649 (VCV003848649.1).

ClinVar aggregate classification (germline): Uncertain significance (1 of 4 stars; one submission).

Conditions:
Inborn genetic diseases. Identifiers: MedGen C0950123, MeSH D030342.

Submission:

Ambry Genetics
Classification: Uncertain significance for Inborn genetic diseases. Last evaluated: 2025-01-20. Review status: criteria provided, single submitter. Criteria: Ambry Variant Classification Scheme 2023. Collection method: clinical testing. Allele origin: germline.
Comment: The p.V1406F variant (also known as c.4216G>T), located in coding exon 14 of the FANCM gene, results from a G to T substitution at nucleotide position 4216. The valine at codon 1406 is replaced by phenylalanine, an amino acid with highly similar properties. This amino acid position is conserved. In addition, this alteration is predicted to be tolerated by in silico analysis. Based on the available evidence, the clinical significance of this variant remains unclear.